The following is an entry in ClinVar:

ClinVar aggregate classification (germline): Uncertain significance (1 of 4 stars; one submission).

Allele frequency attached by ClinVar (database versions not stated): TOPMed 0.00008; ExAC 0.00024; 1000 Genomes Project 30x 0.00031; 1000 Genomes Project 0.00040.
gnomAD v4.1: 228 of 1,600,360 alleles (0.014%); highest among the groups gnomAD compares: East Asian, 0.42%; no homozygotes.

Submission:

CeGaT Center for Human Genetics Tuebingen
Classification: Uncertain significance. Last evaluated: 2023-03-01. Review status: criteria provided, single submitter. Criteria: CeGaT Center For Human Genetics Tuebingen Variant Classification Criteria Version 2. Collection method: clinical testing. Allele origin: germline. Affected: yes. Observed: 1 variant allele.
Comment: TUBB8: PM2, BP4

NM_177987.3(TUBB8):c.124C>G (p.Leu42Val)

Gene: TUBB8 (tubulin beta 8 class VIII; minus strand). Cytogenetic location: 10p15.3.
Variant type: single nucleotide variant.
Coding change: c.124C>G on transcript NM_177987.3 (MANE Select); coding-DNA position 124, C replaced by G.
Protein change: p.Leu42Val; replaces leucine 42 with valine.
Molecular consequence: missense variant. On other transcripts: 5 prime UTR variant (2).
Genome position (GRCh38, 1-based): chr10:48,846, G>C on the plus strand (C>G on the coding strand, the complement: TUBB8 is on the minus strand). VCF-style: chr10-48846-G-C. GRCh37 (hg19) VCF-style: chr10-94786-G-C.
Other names: c.-93C>G (NM_001389618.1, NM_001389619.1); short protein forms L42V.
Identifiers: ClinVar variation 2498456 (VCV002498456.28), dbSNP rs536693166, ClinGen allele CA5378719.